The following is an entry in ClinVar:

ClinVar aggregate classification (germline): Uncertain significance (1 of 4 stars; one submission).

Conditions:
Emery-Dreifuss muscular dystrophy 5, autosomal dominant (EDMD5). Also called: EMERY-DREIFUSS MUSCULAR DYSTROPHY 5. Identifiers: Orphanet 261, MedGen C2751805, MONDO:0013072, OMIM 612999.

Allele frequency attached by ClinVar (database versions not stated): ExAC 0.00001.

Submission:

Labcorp Genetics (formerly Invitae), Labcorp
Classification: Uncertain significance for Emery-Dreifuss muscular dystrophy 5, autosomal dominant. Last evaluated: 2023-11-24. Review status: criteria provided, single submitter. Criteria: Invitae Variant Classification Sherloc (09022015). Collection method: clinical testing. Allele origin: germline.
Comment: This sequence change replaces glycine, which is neutral and non-polar, with arginine, which is basic and polar, at codon 4092 of the SYNE2 protein (p.Gly4092Arg). This variant is present in population databases (rs761053846, gnomAD 0.0009%). This variant has not been reported in the literature in individuals affected with SYNE2-related conditions. Algorithms developed to predict the effect of missense changes on protein structure and function output the following: SIFT: "Not Available"; PolyPhen-2: "Benign"; Align-GVGD: "Not Available". The arginine amino acid residue is found in multiple mammalian species, which suggests that this missense change does not adversely affect protein function. Algorithms developed to predict the effect of sequence changes on RNA splicing suggest that this variant may create or strengthen a splice site. In summary, the available evidence is currently insufficient to determine the role of this variant in disease. Therefore, it has been classified as a Variant of Uncertain Significance.

NM_182914.3(SYNE2):c.12274G>A (p.Gly4092Arg)

Gene: SYNE2 (spectrin repeat containing nuclear envelope protein 2; plus strand). Cytogenetic location: 14q23.2.
Variant type: single nucleotide variant.
Coding change: c.12274G>A on transcript NM_182914.3 (MANE Select); coding-DNA position 12274, G replaced by A.
Protein change: p.Gly4092Arg; replaces glycine 4092 with arginine.
Molecular consequence: missense variant.
Genome position (GRCh38, 1-based): chr14:64,098,114, G>A. VCF-style: chr14-64098114-G-A. GRCh37 (hg19) VCF-style: chr14-64564832-G-A.
Other names: c.12274G>A, p.Gly4092Arg (NM_015180.6); short protein forms G4092R.
Identifiers: ClinVar variation 2698467 (VCV002698467.3), dbSNP rs761053846, ClinGen allele CA7222053.